The following is an entry in ClinVar:

NM_001292063.2(OTOG):c.8547C>T (p.Asn2849=)

Gene: OTOG (otogelin; plus strand). Cytogenetic location: 11p15.1.
Variant type: single nucleotide variant.
Coding change: c.8547C>T on transcript NM_001292063.2 (MANE Select); coding-DNA position 8547, C replaced by T.
Protein change: p.Asn2849=; no amino-acid change (asparagine 2849 retained).
Molecular consequence: synonymous variant.
Genome position (GRCh38, 1-based): chr11:17,645,749, C>T. VCF-style: chr11-17645749-C-T. GRCh37 (hg19) VCF-style: chr11-17667296-C-T.
Other names: c.8583C>T, p.Asn2861= (NM_001277269.2); c.8583C>T (NM_001277269.1).
Identifiers: ClinVar variation 1528952 (VCV001528952.9), dbSNP rs1181949972, ClinGen allele CA473300835.

ClinVar aggregate classification (germline): Likely benign. Review status: criteria provided, multiple submitters, no conflicts (2 of 4 stars). 2 submissions from 2 submitters: Likely benign (2). Last evaluated 2026-05-28.

Conditions:
OTOG-related disorder. Also called: OTOG-related condition.

Allele frequency attached by ClinVar (database versions not stated): gnomAD 0.00003 and 0.00004; gnomAD exomes 0.00004.
gnomAD v4.1: 60 of 1,550,806 alleles (0.0039%); highest among the groups gnomAD compares: Non-Finnish European, 0.0047%; no homozygotes.

Submissions (2):

PreventionGenetics, part of Exact Sciences
Classification: Likely benign for OTOG-related condition. Last evaluated: 2026-05-28. Review status: criteria provided, single submitter. Criteria: ACMG Guidelines, 2015. Collection method: clinical testing. Allele origin: germline.
Comment: This variant is classified as likely benign based on ACMG/AMP sequence variant interpretation guidelines (Richards et al. 2015 PMID: 25741868, with internal and published modifications).

Labcorp Genetics (formerly Invitae), Labcorp
Classification: Likely benign. Last evaluated: 2021-06-02. Review status: criteria provided, single submitter. Criteria: Invitae Variant Classification Sherloc (09022015). Collection method: clinical testing. Allele origin: germline.